The following is an entry in ClinVar:

ClinVar aggregate classification (germline): Uncertain significance (1 of 4 stars; one submission).

Conditions:
Neuropathy, hereditary sensory, type 2C. Also called: KIF1A-Related HSAN2 (HSAN2C); Hereditary sensory and autonomic neuropathy type IIC. Identifiers: Orphanet 970, MedGen C3280168, MONDO:0013634, OMIM 614213.
Intellectual disability, autosomal dominant 9 (NESCAVS). Also called: KIF1A-Related Neurodevelopmental Disorder; NESCAV SYNDROME. Identifiers: Orphanet 662367, MedGen C5393830, MONDO:0013656, OMIM 614255.
Hereditary spastic paraplegia 30. Identifiers: Orphanet 101010, MedGen C5235139, MONDO:0012476.

Submission:

Labcorp Genetics (formerly Invitae), Labcorp
Classification: Uncertain significance for Hereditary spastic paraplegia 30; Neuropathy, hereditary sensory, type 2C; Intellectual disability, autosomal dominant 9. Last evaluated: 2020-11-26. Review status: criteria provided, single submitter. Criteria: Invitae Variant Classification Sherloc (09022015). Collection method: clinical testing. Allele origin: germline.
Comment: In summary, the available evidence is currently insufficient to determine the role of this variant in disease. Therefore, it has been classified as a Variant of Uncertain Significance. Advanced modeling of protein sequence and biophysical properties (such as structural, functional, and spatial information, amino acid conservation, physicochemical variation, residue mobility, and thermodynamic stability) performed at Invitae indicates that this missense variant is not expected to disrupt KIF1A protein function. This variant has not been reported in the literature in individuals with KIF1A-related conditions. This variant is not present in population databases (ExAC no frequency). This sequence change replaces tyrosine with phenylalanine at codon 1605 of the KIF1A protein (p.Tyr1605Phe). The tyrosine residue is moderately conserved and there is a small physicochemical difference between tyrosine and phenylalanine.

NM_001244008.2(KIF1A):c.5117A>T (p.Tyr1706Phe)

Gene: KIF1A (kinesin family member 1A; minus strand). Cytogenetic location: 2q37.3.
Variant type: single nucleotide variant.
Coding change: c.5117A>T on transcript NM_001244008.2 (MANE Select); coding-DNA position 5117, A replaced by T.
Protein change: p.Tyr1706Phe; replaces tyrosine 1706 with phenylalanine.
Molecular consequence: missense variant.
Genome position (GRCh38, 1-based): chr2:240,719,103, T>A on the plus strand (A>T on the coding strand, the complement: KIF1A is on the minus strand). VCF-style: chr2-240719103-T-A. GRCh37 (hg19) VCF-style: chr2-241658520-T-A.
Other names: c.4841A>T, p.Tyr1614Phe (NM_001320705.2, NM_001379649.1); c.4868A>T, p.Tyr1623Phe (NM_001330289.2); c.4916A>T, p.Tyr1639Phe (NM_001330290.2, NM_001379648.1); c.5192A>T, p.Tyr1731Phe (NM_001379631.1); c.5093A>T, p.Tyr1698Phe (NM_001379632.1); c.5090A>T, p.Tyr1697Phe (NM_001379633.1, NM_001379645.1); c.4943A>T, p.Tyr1648Phe (NM_001379634.1); c.4940A>T, p.Tyr1647Phe (NM_001379635.1, NM_001379646.1); and 7 more; short protein forms Y1614F, Y1643F, Y1647F, Y1698F, Y1706F, Y1613F, Y1639F, Y1648F.
Identifiers: ClinVar variation 1351658 (VCV001351658.8), dbSNP rs1331048988, ClinGen allele CA351298337.
Genomic context (GRCh38, chr2:240,719,103, plus strand): 5'-TGGGCAGTGGCCAGGTTGAGCACGAACCGCTCCACGGTGTCCTTGTCGCTGTTGTACATG[T>A]AGGCATAGGGGCGCCGCACCACCACGAAGCGCCTGGCCCAGCCTGACGTGTGCGGCTCCA-3'
Protein context (NP_001230937.1, residues 1696-1716): RFVVVRRPYA[Tyr1706Phe]MYNSDKDTVE